The following is an entry in ClinVar:

ClinVar aggregate classification (germline): Uncertain significance (1 of 4 stars; one submission).

Allele frequency attached by ClinVar (database versions not stated): ExAC 0.00001.

Submission:

Women's Health and Genetics/Laboratory Corporation of America, LabCorp
Classification: Uncertain significance. Last evaluated: 2024-01-18. Review status: criteria provided, single submitter. Criteria: LabCorp Variant Classification Summary - May 2015. Collection method: clinical testing. Allele origin: germline.
Comment: Variant summary: TUBB3 c.95C>G (p.Pro32Arg) results in a non-conservative amino acid change located in the Tubulin/FtsZ, GTPase domain (IPR003008) of the encoded protein sequence. Three of five in-silico tools predict a damaging effect of the variant on protein function. The variant allele was found at a frequency of 2e-05 in 251028 control chromosomes (gnomAD). The available data on variant occurrences in the general population are insufficient to allow any conclusion about variant significance. To our knowledge, no occurrence of c.95C>G in individuals affected with Complex Cortical Dysplasia With Other Brain Malformations and no experimental evidence demonstrating its impact on protein function have been reported. No submitters have cited clinical-significance assessments for this variant to ClinVar. Based on the evidence outlined above, the variant was classified as uncertain significance.

NM_006086.4(TUBB3):c.95C>G (p.Pro32Arg)

Gene: TUBB3 (tubulin beta 3 class III; plus strand). Cytogenetic location: 16q24.3.
Variant type: single nucleotide variant.
Coding change: c.95C>G on transcript NM_006086.4 (MANE Select); coding-DNA position 95, C replaced by G.
Protein change: p.Pro32Arg; replaces proline 32 with arginine.
Molecular consequence: missense variant. On other transcripts: 5 prime UTR variant (1).
Genome position (GRCh38, 1-based): chr16:89,932,608, C>G. VCF-style: chr16-89932608-C-G. GRCh37 (hg19) VCF-style: chr16-89999016-C-G.
Other names: c.-122C>G (NM_001197181.2); short protein forms P32R.
Identifiers: ClinVar variation 3063974 (VCV003063974.1), dbSNP rs767364590, ClinGen allele CA8255940.